The following is an entry in ClinVar:

NM_017780.4(CHD7):c.2352dup (p.Asn785fs)

Gene: CHD7 (chromodomain helicase DNA binding protein 7; plus strand). Cytogenetic location: 8q12.2.
Variant type: Duplication.
Coding change: c.2352dup on transcript NM_017780.4 (MANE Select); coding-DNA position 2352, one base duplicated (C; older notation c.2352dupC).
Protein change: p.Asn785fs; shifts the reading frame from asparagine 785.
Molecular consequence: frameshift variant. On other transcripts: intron variant (1).
Genome position (GRCh38, 1-based): chr8:60,800,501, C duplicated; the last of 2 consecutive C bases (chr8:60,800,500-60,800,501); duplicating either gives the same sequence. VCF-style (leftmost placement, unchanged base first): chr8-60800499-T-TC. GRCh37 (hg19) VCF-style: chr8-61713058-T-TC.
Other names: c.1716+19451dup (NM_001316690.1); short protein forms N785fs.
Identifiers: ClinVar variation 1708231 (VCV001708231.2), dbSNP rs2487673689, ClinGen allele CA2580078435.

ClinVar aggregate classification (germline): Likely pathogenic (1 of 4 stars; one submission).

Conditions:
CHARGE syndrome (CHARGE). Also called: Coloboma, heart anomaly, choanal atresia, retardation, genital and ear anomalies; CHARGE association; Hall-Hittner syndrome; Hittner Hirsch Kreh syndrome; CHARGE ASSOCIATION--COLOBOMA, HEART ANOMALY, CHOANAL ATRESIA, RETARDATION, GENITAL AND EAR ANOMALIES. Identifiers: Orphanet 138, MedGen C0265354, MONDO:0008965.

Submission:

Genetics Laboratory, UDIAT-Centre Diagnòstic, Hospital Universitari Parc Tauli
Classification: Likely pathogenic for CHARGE syndrome. Last evaluated: 2022-10-04. Review status: criteria provided, single submitter. Criteria: Parc Tauli Hospital Assertion Criteria 2021. Collection method: clinical testing. Allele origin: unknown. Inheritance: Autosomal dominant inheritance. Affected: yes.
Comment: PVS1;PM2_supporting